The following is an entry in ClinVar:

NM_017780.4(CHD7):c.643C>A (p.Gln215Lys)

Gene: CHD7 (chromodomain helicase DNA binding protein 7; plus strand). Cytogenetic location: 8q12.2.
Variant type: single nucleotide variant.
Coding change: c.643C>A on transcript NM_017780.4 (MANE Select); coding-DNA position 643, C replaced by A.
Protein change: p.Gln215Lys; replaces glutamine 215 with lysine.
Molecular consequence: missense variant.
Genome position (GRCh38, 1-based): chr8:60,742,075, C>A. VCF-style: chr8-60742075-C-A. GRCh37 (hg19) VCF-style: chr8-61654634-C-A.
Other names: c.643C>A, p.Gln215Lys (NM_001316690.1); short protein forms Q215K.
Identifiers: ClinVar variation 4802741 (VCV004802741.1).

ClinVar aggregate classification (germline): Uncertain significance (1 of 4 stars; one submission).

Conditions:
CHARGE syndrome (CHARGE). Also called: Hittner Hirsch Kreh syndrome; CHARGE ASSOCIATION--COLOBOMA, HEART ANOMALY, CHOANAL ATRESIA, RETARDATION, GENITAL AND EAR ANOMALIES; Coloboma, heart anomaly, choanal atresia, retardation, genital and ear anomalies; CHARGE association; Hall-Hittner syndrome. Identifiers: Orphanet 138, MedGen C0265354, MONDO:0008965.

Submission:

Labcorp Genetics (formerly Invitae), Labcorp
Classification: Uncertain significance for CHARGE syndrome. Last evaluated: 2025-11-12. Review status: criteria provided, single submitter. Criteria: Invitae Variant Classification Sherloc (09022015). Collection method: clinical testing. Allele origin: germline.
Comment: This sequence change replaces glutamine, which is neutral and polar, with lysine, which is basic and polar, at codon 215 of the CHD7 protein (p.Gln215Lys). This variant is not present in population databases (gnomAD no frequency). This variant has not been reported in the literature in individuals affected with CHD7-related conditions. Invitae Evidence Modeling of protein sequence and biophysical properties (such as structural, functional, and spatial information, amino acid conservation, physicochemical variation, residue mobility, and thermodynamic stability) indicates that this missense variant is not expected to disrupt CHD7 protein function with a negative predictive value of 95%. In summary, the available evidence is currently insufficient to determine the role of this variant in disease. Therefore, it has been classified as a Variant of Uncertain Significance.